The following is an entry in ClinVar:

NM_213599.3(ANO5):c.2716G>C (p.Ala906Pro)

Gene: ANO5 (anoctamin 5; plus strand). Cytogenetic location: 11p14.3.
Variant type: single nucleotide variant.
Coding change: c.2716G>C on transcript NM_213599.3 (MANE Select); coding-DNA position 2716, G replaced by C.
Protein change: p.Ala906Pro; replaces alanine 906 with proline.
Molecular consequence: missense variant.
Genome position (GRCh38, 1-based): chr11:22,279,739, G>C. VCF-style: chr11-22279739-G-C. GRCh37 (hg19) VCF-style: chr11-22301285-G-C.
Other names: c.2713G>C, p.Ala905Pro (NM_001142649.2); short protein forms A905P, A906P.
Identifiers: ClinVar variation 1472269 (VCV001472269.8), dbSNP rs2133811614, ClinGen allele CA379925495.

ClinVar aggregate classification (germline): Uncertain significance (1 of 4 stars; one submission).

Conditions:
Gnathodiaphyseal dysplasia (GDD). Also called: GNATHODIAPHYSEAL SCLEROSIS; OSTEOGENESIS IMPERFECTA WITH UNUSUAL SKELETAL LESIONS. Identifiers: Orphanet 53697, MedGen C1833736, MONDO:0008151, OMIM 166260.
Autosomal recessive limb-girdle muscular dystrophy type 2L (LGMDR12). Also called: Limb-girdle muscular dystrophy, type 2L; MUSCULAR DYSTROPHY, LIMB-GIRDLE, AUTOSOMAL RECESSIVE 12; Limb-Girdle Muscular Dystrophy R12 Anoctamin-5-Related (LGMD-R12). Identifiers: Orphanet 206549, MedGen C1969785, MONDO:0012652, OMIM 611307.

gnomAD v4.1: 3 of 1,612,432 alleles (0.00019%); highest among the groups gnomAD compares: Non-Finnish European, 0.00025%; no homozygotes.

Submission:

Labcorp Genetics (formerly Invitae), Labcorp
Classification: Uncertain significance for Autosomal recessive limb-girdle muscular dystrophy type 2L; Gnathodiaphyseal dysplasia. Last evaluated: 2021-02-23. Review status: criteria provided, single submitter. Criteria: Invitae Variant Classification Sherloc (09022015). Collection method: clinical testing. Allele origin: germline.
Comment: Advanced modeling of protein sequence and biophysical properties (such as structural, functional, and spatial information, amino acid conservation, physicochemical variation, residue mobility, and thermodynamic stability) performed at Invitae indicates that this missense variant is not expected to disrupt ANO5 protein function. This variant is not present in population databases (ExAC no frequency). This variant has not been reported in the literature in individuals with ANO5-related conditions. In summary, the available evidence is currently insufficient to determine the role of this variant in disease. Therefore, it has been classified as a Variant of Uncertain Significance. This sequence change replaces alanine with proline at codon 906 of the ANO5 protein (p.Ala906Pro). The alanine residue is weakly conserved and there is a small physicochemical difference between alanine and proline.